The following is an entry in ClinVar:

NM_001037.5(SCN1B):c.565A>G (p.Thr189Ala)

Gene: SCN1B (sodium voltage-gated channel beta subunit 1; plus strand). Cytogenetic location: 19q13.11.
Variant type: single nucleotide variant.
Coding change: c.565A>G on transcript NM_001037.5 (MANE Select); coding-DNA position 565, A replaced by G.
Protein change: p.Thr189Ala; replaces threonine 189 with alanine.
Molecular consequence: missense variant.
Genome position (GRCh38, 1-based): chr19:35,039,233, A>G. VCF-style: chr19-35039233-A-G. GRCh37 (hg19) VCF-style: chr19-35530137-A-G.
Other names: c.466A>G, p.Thr156Ala (NM_001321605.2); short protein forms T156A, T189A.
Identifiers: ClinVar variation 1748904 (VCV001748904.2), dbSNP rs753867968, ClinGen allele CA9372097.

ClinVar aggregate classification (germline): Uncertain significance (1 of 4 stars; one submission).

Conditions:
Cardiovascular phenotype. Identifiers: MedGen CN230736.

Allele frequency attached by ClinVar (database versions not stated): ExAC 0.00001.
gnomAD v4.1: 5 of 1,613,814 alleles (0.00031%); highest among the groups gnomAD compares: Non-Finnish European, 0.00042%; no homozygotes.

Submission:

Ambry Genetics
Classification: Uncertain significance for Cardiovascular phenotype. Last evaluated: 2022-09-17. Review status: criteria provided, single submitter. Criteria: Ambry Variant Classification Scheme 2023. Collection method: clinical testing. Allele origin: germline.
Comment: The p.T189A variant (also known as c.565A>G), located in coding exon 4 of the SCN1B gene, results from an A to G substitution at nucleotide position 565. The threonine at codon 189 is replaced by alanine, an amino acid with similar properties. This amino acid position is conserved. In addition, the in silico prediction for this alteration is inconclusive. Since supporting evidence is limited at this time, the clinical significance of this alteration remains unclear.